The following is an entry in ClinVar:

NM_004092.4(ECHS1):c.515-65A>G

Gene: ECHS1 (enoyl-CoA hydratase, short chain 1; minus strand). Cytogenetic location: 10q26.3.
Variant type: single nucleotide variant.
Coding change: c.515-65A>G on transcript NM_004092.4 (MANE Select); 65 bases into the intron before coding-DNA position 515, A replaced by G.
Molecular consequence: intron variant.
Genome position (GRCh38, 1-based): chr10:133,367,058, T>C on the plus strand (A>G on the coding strand, the complement: ECHS1 is on the minus strand). VCF-style: chr10-133367058-T-C. GRCh37 (hg19) VCF-style: chr10-135180562-T-C.
Identifiers: ClinVar variation 676729 (VCV000676729.2), dbSNP rs60958182, ClinGen allele CA216816511.

ClinVar aggregate classification (germline): Benign. Review status: criteria provided, multiple submitters, no conflicts (2 of 4 stars). 2 submissions from 2 submitters: Benign (2). Last evaluated 2018-06-14.

Allele frequency attached by ClinVar (database versions not stated): gnomAD exomes 0.00329; gnomAD 0.03258 and 0.03496; 1000 Genomes Project 0.03554; TOPMed 0.03694; 1000 Genomes Project 30x 0.03795.
gnomAD v4.1: 9,163 of 1,361,524 alleles (0.67%); highest among the groups gnomAD compares: African/African-American, 11%; 461 homozygotes.

Submissions (2):

GeneDx
Classification: Benign. Last evaluated: 2018-06-14. Review status: criteria provided, single submitter. Criteria: GeneDx Variant Classification (06012015). Collection method: clinical testing. Allele origin: germline. Affected: yes.
Comment: This variant is considered likely benign or benign based on one or more of the following criteria: it is a conservative change, it occurs at a poorly conserved position in the protein, it is predicted to be benign by multiple in silico algorithms, and/or has population frequency not consistent with disease.

Breakthrough Genomics
Classification: Benign. Review status: criteria provided, single submitter. Criteria: ACMG Guidelines, 2015. Collection method: not provided. Allele origin: germline. Inheritance: Autosomal recessive inheritance. Affected: yes.